The following is an entry in ClinVar:

ClinVar aggregate classification (germline): Conflicting classifications of pathogenicity. Review status: criteria provided, conflicting classifications (1 of 4 stars). 2 submissions from 2 submitters: Pathogenic (1); Uncertain significance (1). Last evaluated 2024-12-06.

Conditions:
Thrombophilia, X-linked, due to factor 8 defect. Also called: Thrombophilia 13, X-linked, due to factor VIII defect; THROMBOPHILIA, X-LINKED, DUE TO FACTOR VIII DEFECT. Identifiers: MedGen C5676879, MONDO:0859082, OMIM 301071.

Allele frequency attached by ClinVar (database versions not stated): gnomAD exomes 0.00001 and 0.00003; ExAC 0.00002; gnomAD 0.00005 and 0.00004; TOPMed 0.00003.
gnomAD v4.1: 14 of 1,209,233 alleles (0.0012%); highest among the groups gnomAD compares: Admixed American, 0.011%; no homozygotes.

Submissions (2):

Mayo Clinic Laboratories, Mayo Clinic
Classification: Uncertain significance. Last evaluated: 2024-12-06. Review status: criteria provided, single submitter. Criteria: ACMG Guidelines, 2015. Collection method: clinical testing. Allele origin: germline. Observed: 3 variant alleles.
Comment: PP3, PM1, PM2_supporting

Mendelics
Classification: Pathogenic for Thrombophilia, X-linked, due to factor 8 defect. Last evaluated: 2022-05-04. Review status: criteria provided, single submitter. Criteria: Mendelics Assertion Criteria 2019. Collection method: clinical testing. Allele origin: germline.

Literature cited by the submitters: PubMed 16972227 (cited by Mayo Clinic Laboratories, Mayo Clinic); PubMed 19473423 (cited by Mayo Clinic Laboratories, Mayo Clinic); PubMed 20054547 (cited by Mayo Clinic Laboratories, Mayo Clinic); PubMed 21461305 (cited by Mayo Clinic Laboratories, Mayo Clinic); PubMed 21883705 (cited by Mayo Clinic Laboratories, Mayo Clinic); PubMed 29399993 (cited by Mayo Clinic Laboratories, Mayo Clinic); PubMed 38003562 (cited by Mayo Clinic Laboratories, Mayo Clinic).

NM_000132.4(F8):c.6067G>A (p.Glu2023Lys)

Gene: F8 (coagulation factor VIII; minus strand). Cytogenetic location: Xq28.
Variant type: single nucleotide variant.
Coding change: c.6067G>A on transcript NM_000132.4 (MANE Select); coding-DNA position 6067, G replaced by A.
Protein change: p.Glu2023Lys; replaces glutamic acid 2023 with lysine.
Molecular consequence: missense variant.
Genome position (GRCh38, 1-based): chrX:154,902,099, C>T on the plus strand (G>A on the coding strand, the complement: F8 is on the minus strand). VCF-style: chrX-154902099-C-T. GRCh37 (hg19) VCF-style: chrX-154130374-C-T.
Other names: p.Glu2023Lys; c.6067G>A (NM_000132.3); short protein forms E2023K.
Identifiers: ClinVar variation 1685783 (VCV001685783.3), dbSNP rs781886601, ClinGen allele CA10567913.